The following is an entry in ClinVar:

ClinVar aggregate classification (germline): Uncertain significance (1 of 4 stars; one submission).

Conditions:
Myofibrillar myopathy 6. Identifiers: Orphanet 199340, MedGen C2751831, MONDO:0013061, OMIM 612954.
Dilated cardiomyopathy 1HH (CMD1HH). Identifiers: Orphanet 154, MedGen C3151293, MONDO:0013479, OMIM 613881.

Submission:

Labcorp Genetics (formerly Invitae), Labcorp
Classification: Uncertain significance for Dilated cardiomyopathy 1HH; Myofibrillar myopathy 6. Last evaluated: 2024-12-18. Review status: criteria provided, single submitter. Criteria: Invitae Variant Classification Sherloc (09022015). Collection method: clinical testing. Allele origin: germline.
Comment: This sequence change replaces proline, which is neutral and non-polar, with threonine, which is neutral and polar, at codon 97 of the BAG3 protein (p.Pro97Thr). This variant is not present in population databases (gnomAD no frequency). This variant has not been reported in the literature in individuals affected with BAG3-related conditions. Invitae Evidence Modeling of protein sequence and biophysical properties (such as structural, functional, and spatial information, amino acid conservation, physicochemical variation, residue mobility, and thermodynamic stability) indicates that this missense variant is expected to disrupt BAG3 protein function with a positive predictive value of 80%. In summary, the available evidence is currently insufficient to determine the role of this variant in disease. Therefore, it has been classified as a Variant of Uncertain Significance.

NM_004281.4(BAG3):c.289C>A (p.Pro97Thr)

Gene: BAG3 (BAG cochaperone 3; plus strand). Cytogenetic location: 10q26.11.
Variant type: single nucleotide variant.
Coding change: c.289C>A on transcript NM_004281.4 (MANE Select); coding-DNA position 289, C replaced by A.
Protein change: p.Pro97Thr; replaces proline 97 with threonine.
Molecular consequence: missense variant.
Genome position (GRCh38, 1-based): chr10:119,669,959, C>A. VCF-style: chr10-119669959-C-A. GRCh37 (hg19) VCF-style: chr10-121429471-C-A.
Other names: short protein forms P97T.
Identifiers: ClinVar variation 3748766 (VCV003748766.2).
Genomic context (GRCh38, chr10:119,669,959, plus strand): 5'-CCGCCTGCTAGGGAAGGCCACCCTGTGTACCCCCAGCTCCGACCAGGCTACATTCCCATT[C>A]CTGTGCTCCATGAAGGCGCTGAGAACCGGCAGGTGCACCCTTTCCATGTCTATCCCCAGC-3'
Protein context (NP_004272.2, residues 87-107): PQLRPGYIPI[Pro97Thr]VLHEGAENRQ